The following is an entry in ClinVar:

NM_000159.4(GCDH):c.878C>T (p.Ala293Val)

Gene: GCDH (glutaryl-CoA dehydrogenase; plus strand). Cytogenetic location: 19p13.13.
Variant type: single nucleotide variant.
Coding change: c.878C>T on transcript NM_000159.4 (MANE Select); coding-DNA position 878, C replaced by T.
Protein change: p.Ala293Val; replaces alanine 293 with valine.
Molecular consequence: missense variant. On other transcripts: non-coding transcript variant (2).
Genome position (GRCh38, 1-based): chr19:12,896,935, C>T. VCF-style: chr19-12896935-C-T. GRCh37 (hg19) VCF-style: chr19-13007749-C-T.
Other names: c.878C>T, p.Ala293Val (NM_013976.5); short protein forms A293V.
Identifiers: ClinVar variation 2864675 (VCV002864675.4), dbSNP rs2512574882, ClinGen allele CA404319358.

ClinVar aggregate classification (germline): Pathogenic/Likely pathogenic. Review status: criteria provided, multiple submitters, no conflicts (2 of 4 stars). 2 submissions from 2 submitters: Pathogenic (1); Likely pathogenic (1). Last evaluated 2026-03-13.

Conditions:
Glutaric aciduria, type 1. Also called: GA I; Glutaricaciduria, type I; Glutaricacidemia Type 1; Glutaric Acidemia Type 1; Glutaryl-CoA dehydrogenase deficiency; Glutaric acidemia type I. Identifiers: Orphanet 25, MedGen C0268595, MONDO:0009281, OMIM 231670.

Submissions (2):

Myriad Genetics, Inc.
Classification: Likely pathogenic for Glutaric aciduria, type 1. Last evaluated: 2026-03-13. Review status: criteria provided, single submitter. Criteria: Myriad Autosomal Dominant, Autosomal Recessive and X-Linked Classification Criteria (2023). Collection method: clinical testing. Allele origin: unknown.
Comment: NM_000159.2(GCDH):c.878C>T(A293V) is a missense variant classified as likely pathogenic in the context of glutaric acidemia, GCDH-related. A293V has been observed in cases with relevant disease (PMID: 32777384, 39658645). Relevant functional assessments of this variant are not available in the literature. Internal structural analysis of the variant is supportive of pathogenicity. A293V has not been observed in referenced population frequency databases. In summary, NM_000159.2(GCDH):c.878C>T(A293V) is a missense variant that has internal structural support for pathogenicity and has been observed more frequently in cases with the relevant disease than in healthy populations. Please note: this variant was assessed in the context of healthy population screening.

Labcorp Genetics (formerly Invitae), Labcorp
Classification: Pathogenic for Glutaric aciduria, type 1. Last evaluated: 2022-11-29. Review status: criteria provided, single submitter. Criteria: Invitae Variant Classification Sherloc (09022015). Collection method: clinical testing. Allele origin: germline.
Comment: This sequence change replaces alanine, which is neutral and non-polar, with valine, which is neutral and non-polar, at codon 293 of the GCDH protein (p.Ala293Val). This variant is not present in population databases (gnomAD no frequency). For these reasons, this variant has been classified as Pathogenic. This variant disrupts the p.Ala293 amino acid residue in GCDH. Other variant(s) that disrupt this residue have been determined to be pathogenic (PMID: 8900227, 8900228, 10960496, 12199454, 15573311; Invitae). This suggests that this residue is clinically significant, and that variants that disrupt this residue are likely to be disease-causing. Advanced modeling of protein sequence and biophysical properties (such as structural, functional, and spatial information, amino acid conservation, physicochemical variation, residue mobility, and thermodynamic stability) performed at Invitae indicates that this missense variant is expected to disrupt GCDH protein function. This missense change has been observed in individual(s) with GCDH-related conditions (PMID: 32777384).

Literature cited by the submitters: PubMed 32777384 (cited by Myriad Genetics, Inc. and Labcorp Genetics (formerly Invitae), Labcorp); PubMed 39658645 (cited by Myriad Genetics, Inc.); PubMed 8900227 (cited by Labcorp Genetics (formerly Invitae), Labcorp); PubMed 8900228 (cited by Labcorp Genetics (formerly Invitae), Labcorp); PubMed 10960496 (cited by Labcorp Genetics (formerly Invitae), Labcorp); PubMed 12199454 (cited by Labcorp Genetics (formerly Invitae), Labcorp); PubMed 15573311 (cited by Labcorp Genetics (formerly Invitae), Labcorp).